The following is an entry in ClinVar:

ClinVar aggregate classification (germline): Uncertain significance. Review status: criteria provided, multiple submitters, no conflicts (2 of 4 stars). 2 submissions from 2 submitters: Uncertain significance (2). Last evaluated 2021-02-11.

Conditions:
Cardiomyopathy (CMYO). Also called: Cardiomyopathies. Identifiers: Orphanet 167848, MedGen C0878544, MONDO:0004994, HP:0001638. Inheritance: Various modes of inheritance.
Primary dilated cardiomyopathy (DCM). Also called: Dilated Cardiomyopathy. Identifiers: Orphanet 217604, MedGen C0007193, MeSH D002311, MONDO:0005021, HP:0001644. Inheritance: Various modes of inheritance.

Allele frequency attached by ClinVar (database versions not stated): gnomAD 0.00005; TOPMed 0.00005; 1000 Genomes Project 30x 0.00031; 1000 Genomes Project 0.00040.
gnomAD v4.1: 97 of 1,614,056 alleles (0.006%); highest among the groups gnomAD compares: Non-Finnish European, 0.0074%; no homozygotes.

Submissions (2):

Labcorp Genetics (formerly Invitae), Labcorp
Classification: Uncertain significance for Primary dilated cardiomyopathy. Last evaluated: 2021-02-11. Review status: criteria provided, single submitter. Criteria: Invitae Variant Classification Sherloc (09022015). Collection method: clinical testing. Allele origin: germline.
Comment: This variant is present in population databases (rs188279857, ExAC 0.004%). This variant has not been reported in the literature in individuals with FHL2-related conditions. Algorithms developed to predict the effect of missense changes on protein structure and function are either unavailable or do not agree on the potential impact of this missense change (SIFT: "Deleterious"; PolyPhen-2: "Probably Damaging"; Align-GVGD: "Class C0"). In summary, the available evidence is currently insufficient to determine the role of this variant in disease. Therefore, it has been classified as a Variant of Uncertain Significance. This sequence change replaces arginine with glutamine at codon 242 of the FHL2 protein (p.Arg242Gln). The arginine residue is highly conserved and there is a small physicochemical difference between arginine and glutamine.

CHEO Genetics Diagnostic Laboratory, Children's Hospital of Eastern Ontario
Classification: Uncertain significance for Cardiomyopathy. Last evaluated: 2018-09-12. Review status: criteria provided, single submitter. Criteria: ACMG Guidelines, 2015. Collection method: clinical testing. Allele origin: germline.

NM_001318895.3(FHL2):c.725G>A (p.Arg242Gln)

Genes: FHL2 (four and a half LIM domains 2; minus strand), C2orf49 (chromosome 2 open reading frame 49; plus strand). Cytogenetic location: 2q12.2.
Variant type: single nucleotide variant.
Coding change: c.725G>A on transcript NM_001318895.3 (MANE Select); coding-DNA position 725, G replaced by A.
Protein change: p.Arg242Gln; replaces arginine 242 with glutamine.
Molecular consequence: missense variant.
Genome position (GRCh38, 1-based): chr2:105,361,398, C>T on the plus strand (G>A on the coding strand, the complement: FHL2 is on the minus strand). VCF-style: chr2-105361398-C-T. GRCh37 (hg19) VCF-style: chr2-105977855-C-T.
Other names: c.725G>A, p.Arg242Gln (NM_001039492.3, NM_001318894.1, NM_001318896.2 and 4 more transcripts); c.383G>A, p.Arg128Gln (NM_001318897.2, NM_001318898.2); c.401G>A, p.Arg134Gln (NM_001318899.2); short protein forms R134Q, R242Q, R128Q.
Identifiers: ClinVar variation 915670 (VCV000915670.8), dbSNP rs188279857, ClinGen allele CA1814661.